The following is an entry in ClinVar:

NM_006311.4(NCOR1):c.6312A>G (p.Glu2104=)

Gene: NCOR1 (nuclear receptor corepressor 1; minus strand). Cytogenetic location: 17p12.
Variant type: single nucleotide variant.
Coding change: c.6312A>G on transcript NM_006311.4 (MANE Select); coding-DNA position 6312, A replaced by G.
Protein change: p.Glu2104=; no amino-acid change (glutamic acid 2104 retained).
Molecular consequence: synonymous variant.
Genome position (GRCh38, 1-based): chr17:16,057,594, T>C on the plus strand (A>G on the coding strand, the complement: NCOR1 is on the minus strand). VCF-style: chr17-16057594-T-C. GRCh37 (hg19) VCF-style: chr17-15960908-T-C.
Other names: c.6003A>G, p.Glu2001= (NM_001190440.2).
Identifiers: ClinVar variation 3049019 (VCV003049019.3), dbSNP rs145686457, ClinGen allele CA8408068.
Genomic context (GRCh38, chr17:16,057,594, plus strand): 5'-AAGATTTTCTGGAGAGACCCTTGAACCTGGTCTTTGATGATGGACAGACTGAGCCTGGGA[T>C]TCTGGGCTGTAACGGTTTGATGTTTTAGTCCTCACAGGTGTAGATACCAAAGCAGAAGGT-3'
Protein context (NP_006302.2, residues 2094-2114): RTKTSNRYSP[Glu2104=]SQAQSVHHQR

ClinVar aggregate classification (germline): Likely benign. Review status: criteria provided, single submitter (1 of 4 stars). 2 submissions from 2 submitters: Likely benign (1). 1 of the submissions does not count toward it. Last evaluated 2024-08-19.

Conditions:
NCOR1-related disorder. Also called: NCOR1-related condition.

Allele frequency attached by ClinVar (database versions not stated): ExAC 0.00022; gnomAD 0.00029; TOPMed 0.00034; gnomAD exomes 0.00047; ESP Exome Variant Server 0.00062.
gnomAD v4.1: 715 of 1,614,046 alleles (0.044%); highest among the groups gnomAD compares: Non-Finnish European, 0.056%; no homozygotes.

Submissions (2):

Blueprint Genetics
Classification: Likely benign. Last evaluated: 2024-08-19. Review status: criteria provided, single submitter. Criteria: ACMG Guidelines, 2015. Collection method: clinical testing. Allele origin: germline.

PreventionGenetics, part of Exact Sciences
Classification: Likely benign for NCOR1-related condition. Last evaluated: 2019-12-09. Review status: no assertion criteria provided. Collection method: clinical testing. Allele origin: germline. Not counted in ClinVar's aggregate classification.
Comment: This variant is classified as likely benign based on ACMG/AMP sequence variant interpretation guidelines (Richards et al. 2015 PMID: 25741868, with internal and published modifications).